The following is an entry in ClinVar:

NM_005551.5(KLK2):c.748C>T (p.Arg250Trp)

Gene: KLK2 (kallikrein related peptidase 2; plus strand). Cytogenetic location: 19q13.33.
Variant type: single nucleotide variant.
Coding change: c.748C>T on transcript NM_005551.5 (MANE Select); coding-DNA position 748, C replaced by T.
Protein change: p.Arg250Trp; replaces arginine 250 with tryptophan.
Molecular consequence: missense variant. On other transcripts: 3 prime UTR variant (1), non-coding transcript variant (2).
Genome position (GRCh38, 1-based): chr19:50,878,521, C>T. VCF-style: chr19-50878521-C-T. GRCh37 (hg19) VCF-style: chr19-51381777-C-T.
Other names: c.*113C>T (NM_001002231.3); c.442C>T, p.Arg148Trp (NM_001256080.2); short protein forms R148W, R250W.
Identifiers: ClinVar variation 2573115 (VCV002573115.2), dbSNP rs198977, ClinGen allele CA9604922.

ClinVar aggregate classification (germline): Benign. Review status: criteria provided, single submitter (1 of 4 stars). 2 submissions from 2 submitters: Benign (1). 1 of the submissions does not count toward it. Last evaluated 2023-07-22.

Conditions:
Acute myeloid leukemia (AML). Also called: Acute myeloid leukemia, adult; AML adult; Acute non-lymphocytic leukemia; Acute granulocytic leukemia; Leukemia, acute myelogenous, somatic; Leukemia, acute myeloid, somatic. Identifiers: Orphanet 519, MedGen C0023467, MeSH D015470, MONDO:0018874, OMIM 601626, HP:0004808. Disease mechanism: Constitutively activated FLT3.

Allele frequency attached by ClinVar (database versions not stated): gnomAD exomes 0.24223; ExAC 0.24701; 1000 Genomes Project 0.28175; 1000 Genomes Project 30x 0.28966; gnomAD 0.29720; TOPMed 0.30144; ESP Exome Variant Server 0.30778.

Submissions (2):

Eleanor M. Freitas Health Laboratory
Classification: Benign for Acute myeloid leukemia. Last evaluated: 2023-07-22. Review status: criteria provided, single submitter. Criteria: ACMG Guidelines, 2015. Collection method: research. Allele origin: germline. Inheritance: Codominant. Affected: no.
Comment: The genetic Variant 'Arg250Trp' within the KLK2 Gene is too frequent to be classified as pathogenic, according to the ACMG guidelines (Richards et al., 2015) this variant meets the following criteria: BA1 (Stand Alone), as it is present in GnomAD exomes with an allele frequency of 0.243, which in turn, is greater than the minimum threshold requirement of >0.05 (with good coverage in gnomAD exomes = 42.9). It also satisfies additional supportive ACMG criteria, such as BP4 (benign-supportive ) with in-silico predictions classifying this variant as 'very strong benign' (meta-score (MetaRNN = 0.000294), which is less than the 0.00692 threshold cut-off. Lastly, an additional "benign supportive" BP6 criterion also been satisfied, due to independent review by Uniprot (VAR_020178) which assessed and classified this variant as 'Likely Benign/Benign' (LB/B). I also refer to a previous study with Meng. et al. (2023) which asserts rs198977 (genotype TT) as being 'associated with an increased risk of AML susceptibility'. However, this study seriously lacks the sufficient and robust sample size required to reach an appropriate conclusion (specifically in respect to the size of the TT genotype sub-group. This in turn, may result in a lower statistical power and yield unreliable estimates regarding the disease-association in question. Moreover there is no mention of specific population demographics used in the study, and this further raises questions about the population diversity recruited in this study. Notwithstanding, the current lack of in-vitro & in-vivo studies to support their results. This means results may suffer a serious lack of reproducibility relating to proving the variant-disease association relating to these results, let alone the specific genotype relating to the variant and the disease. In conclusion the high allele frequency of 0.243 effectively disqualifies this variant from being classified as pathogenic, in accordance with ACMG guidelines and current evidence available (at the time of this variant classification).

Shandong Key Laboratory of Immunohematology, Qilu Hospital, Shandong University
Classification: Pathogenic for Acute myeloid leukemia. Review status: no assertion criteria provided. Collection method: research. Allele origin: unknown. Affected: yes. Not counted in ClinVar's aggregate classification.

Literature cited by the submitters: PubMed 37593117 (cited by Eleanor M. Freitas Health Laboratory); DOI 10.3389/fgene.2023.1218523 (cited by Shandong Key Laboratory of Immunohematology, Qilu Hospital, Shandong University).